The following is an entry in ClinVar:

ClinVar aggregate classification (germline): Uncertain significance (1 of 4 stars; one submission).

Conditions:
Schneckenbecken dysplasia. Identifiers: Orphanet 3144, MedGen C0432194, MONDO:0010013, OMIM 269250.

Submission:

Labcorp Genetics (formerly Invitae), Labcorp
Classification: Uncertain significance for Schneckenbecken dysplasia. Last evaluated: 2022-11-01. Review status: criteria provided, single submitter. Criteria: Invitae Variant Classification Sherloc (09022015). Collection method: clinical testing. Allele origin: germline.
Comment: In summary, the available evidence is currently insufficient to determine the role of this variant in disease. Therefore, it has been classified as a Variant of Uncertain Significance. Advanced modeling of protein sequence and biophysical properties (such as structural, functional, and spatial information, amino acid conservation, physicochemical variation, residue mobility, and thermodynamic stability) performed at Invitae indicates that this missense variant is expected to disrupt SLC35D1 protein function. This variant has not been reported in the literature in individuals affected with SLC35D1-related conditions. This variant is not present in population databases (gnomAD no frequency). This sequence change replaces alanine, which is neutral and non-polar, with aspartic acid, which is acidic and polar, at codon 282 of the SLC35D1 protein (p.Ala282Asp).

NM_015139.3(SLC35D1):c.845C>A (p.Ala282Asp)

Gene: SLC35D1 (solute carrier family 35 member D1; minus strand). Cytogenetic location: 1p31.3.
Variant type: single nucleotide variant.
Coding change: c.845C>A on transcript NM_015139.3 (MANE Select); coding-DNA position 845, C replaced by A.
Protein change: p.Ala282Asp; replaces alanine 282 with aspartic acid.
Molecular consequence: missense variant.
Genome position (GRCh38, 1-based): chr1:67,020,400, G>T on the plus strand (C>A on the coding strand, the complement: SLC35D1 is on the minus strand). VCF-style: chr1-67020400-G-T. GRCh37 (hg19) VCF-style: chr1-67486083-G-T.
Other names: short protein forms A282D.
Identifiers: ClinVar variation 1714849 (VCV001714849.6), dbSNP rs2524660720, ClinGen allele CA340704812.